The following is an entry in ClinVar:

NM_001370259.2(MEN1):c.687C>G (p.Arg229=)

Gene: MEN1 (menin 1; minus strand). Cytogenetic location: 11q13.1.
Variant type: single nucleotide variant.
Coding change: c.687C>G on transcript NM_001370259.2 (MANE Select); coding-DNA position 687, C replaced by G.
Protein change: p.Arg229=; no amino-acid change (arginine 229 retained).
Molecular consequence: synonymous variant. On other transcripts: non-coding transcript variant (4).
Genome position (GRCh38, 1-based): chr11:64,807,648, G>C on the plus strand (C>G on the coding strand, the complement: MEN1 is on the minus strand). VCF-style: chr11-64807648-G-C. GRCh37 (hg19) VCF-style: chr11-64575120-G-C.
Other names: c.702C>G, p.Arg234= (NM_000244.4, NM_001407145.1, NM_001407150.1 and 5 more transcripts); c.687C>G, p.Arg229= (NM_001370251.2, NM_001370260.2, NM_001370261.2 and 7 more transcripts); c.582C>G, p.Arg194= (NM_001370262.2, NM_001370263.2, NM_001407148.1 and 2 more transcripts).
Identifiers: ClinVar variation 3773438 (VCV003773438.2).
Genomic context (GRCh38, chr11:64,807,648, plus strand): 5'-CAGGTCAATGGAAGGGTTGATGGCACACACCATGAACGCCACCTCCATCTTGCGGTCACA[G>C]CGCATGTATGATCCTTTCAGGTACAGCCAGCTCTTAGGGGGGGATGAGATCATTATGTCT-3'
Protein context (NP_001357188.2, residues 219-239): SWLYLKGSYM[Arg229=]CDRKMEVAFM

ClinVar aggregate classification (germline): Benign/Likely benign. Review status: criteria provided, multiple submitters, no conflicts (2 of 4 stars). 2 submissions from 2 submitters: Benign (1); Likely benign (1). Last evaluated 2025-04-20.

Conditions:
Multiple endocrine neoplasia, type 1 (MEN1). Also called: MEN I; WERMER SYNDROME; Endocrine adenomatosis multiple; MEN 1; MEA I. Identifiers: Orphanet 652, MedGen C0025267, MeSH D018761, MONDO:0007540, OMIM 131100.
Hereditary cancer-predisposing syndrome. Also called: Hereditary Cancer Syndrome; Hereditary neoplastic syndrome; Tumor predisposition; Neoplastic Syndromes, Hereditary. Identifiers: Orphanet 140162, MedGen C0027672, MeSH D009386, MONDO:0015356.

Submissions (2):

Ambry Genetics
Classification: Likely benign for Hereditary cancer-predisposing syndrome. Last evaluated: 2025-04-20. Review status: criteria provided, single submitter. Criteria: Ambry Variant Classification Scheme 2023. Collection method: clinical testing. Allele origin: germline.

Myriad Genetics, Inc.
Classification: Benign for Multiple endocrine neoplasia, type 1. Last evaluated: 2024-11-01. Review status: criteria provided, single submitter. Criteria: Myriad Autosomal Dominant, Autosomal Recessive and X-Linked Classification Criteria (2023). Collection method: clinical testing. Allele origin: unknown.
Comment: This variant is considered benign. This variant is a silent/synonymous amino acid change and it is not expected to impact splicing.